The following is an entry in ClinVar:

ClinVar aggregate classification (germline): Benign (1 of 4 stars; one submission).

Conditions:
Amyotrophic lateral sclerosis type 1 (ALS1). Also called: AMYOTROPHIC LATERAL SCLEROSIS 1, FAMILIAL. Identifiers: Orphanet 803, MedGen C1862939, MONDO:0007103, OMIM 105400.

Allele frequency attached by ClinVar (database versions not stated): gnomAD 0.00263 and 0.00347; TOPMed 0.00572; 1000 Genomes Project 30x 0.01343; 1000 Genomes Project 0.01418.
gnomAD v4.1: 1,142 of 267,602 alleles (0.43%); highest among the groups gnomAD compares: East Asian, 6.9%; 33 homozygotes.

Submission:

Illumina Laboratory Services, Illumina
Classification: Benign for Amyotrophic lateral sclerosis type 1. Last evaluated: 2018-01-13. Review status: criteria provided, single submitter. Criteria: ICSL Variant Classification Criteria 13 December 2019. Collection method: clinical testing. Allele origin: germline.
Comment: This variant was observed in the ICSL laboratory as part of a predisposition screen in an ostensibly healthy population. It had not been previously curated by ICSL or reported in the Human Gene Mutation Database (HGMD: prior to June 1st, 2018), and was therefore a candidate for classification through an automated scoring system. Utilizing variant allele frequency, disease prevalence and penetrance estimates, and inheritance mode, an automated score was calculated to assess if this variant is too frequent to cause the disease. Based on the score and internal cut-off values, a variant classified as benign is not then subjected to further curation. The score for this variant resulted in a classification of benign for this disease.

NM_000454.5(SOD1):c.*339C>T

Gene: SOD1 (superoxide dismutase 1; plus strand). Cytogenetic location: 21q22.11.
Variant type: single nucleotide variant.
Coding change: c.*339C>T on transcript NM_000454.5 (MANE Select); 339 bases downstream of the stop codon, C replaced by T.
Molecular consequence: 3 prime UTR variant.
Genome position (GRCh38, 1-based): chr21:31,668,917, C>T. VCF-style: chr21-31668917-C-T. GRCh37 (hg19) VCF-style: chr21-33041230-C-T.
Identifiers: ClinVar variation 339670 (VCV000339670.5), dbSNP rs17880487, ClinGen allele CA10644526.